The following is an entry in ClinVar:

ClinVar aggregate classification (germline): Conflicting classifications of pathogenicity. Review status: criteria provided, conflicting classifications (1 of 4 stars). 5 submissions from 5 submitters: Uncertain significance (1); Benign (1); Likely benign (3). Last evaluated 2026-06-23.

Conditions:
TTN-related disorder. Also called: TTN-related disorders; TTN-related condition; TTN-related disease.
Cardiovascular phenotype. Identifiers: MedGen CN230736.
Autosomal recessive limb-girdle muscular dystrophy type 2J (LGMDR10). Also called: Limb-girdle muscular dystrophy, type 2J; MUSCULAR DYSTROPHY, LIMB-GIRDLE, AUTOSOMAL RECESSIVE 10. Identifiers: Orphanet 140922, MedGen C1837342, MONDO:0012127, OMIM 608807.
Dilated cardiomyopathy 1G (CMD1G). Identifiers: Orphanet 154, MedGen C1858763, MONDO:0011400, OMIM 604145.

Allele frequency attached by ClinVar (database versions not stated): gnomAD 0.00001; gnomAD exomes 0.00001; ExAC 0.00002; TOPMed 0.00003; ESP Exome Variant Server 0.00008.
gnomAD v4.1: 13 of 1,612,906 alleles (0.00081%); highest among the groups gnomAD compares: African/African-American, 0.0067%; no homozygotes.

Submissions (5):

PreventionGenetics, part of Exact Sciences
Classification: Likely benign for TTN-related condition. Last evaluated: 2026-06-23. Review status: criteria provided, single submitter. Criteria: ACMG Guidelines, 2015. Collection method: clinical testing. Allele origin: germline.
Comment: This variant is classified as likely benign based on ACMG/AMP sequence variant interpretation guidelines (Richards et al. 2015 PMID: 25741868, with internal and published modifications).

Labcorp Genetics (formerly Invitae), Labcorp
Classification: Likely benign for Dilated cardiomyopathy 1G; Autosomal recessive limb-girdle muscular dystrophy type 2J. Last evaluated: 2025-09-21. Review status: criteria provided, single submitter. Criteria: Invitae Variant Classification Sherloc (09022015). Collection method: clinical testing. Allele origin: germline.

Molecular Diagnostic Laboratory for Inherited Cardiovascular Disease, Montreal Heart Institute
Classification: Likely benign. Last evaluated: 2025-04-09. Review status: criteria provided, single submitter. Criteria: ACMG Guidelines, 2015. Collection method: clinical testing. Allele origin: germline. Affected: no.

Revvity Omics, Revvity
Classification: Uncertain significance. Last evaluated: 2021-12-09. Review status: criteria provided, single submitter. Criteria: ACMG Guidelines, 2015. Collection method: clinical testing. Allele origin: germline.

Ambry Genetics
Classification: Benign for Cardiovascular phenotype. Last evaluated: 2021-02-11. Review status: criteria provided, single submitter. Criteria: Ambry Variant Classification Scheme 2023. Collection method: clinical testing. Allele origin: germline.

NM_001267550.2(TTN):c.64968A>G (p.Pro21656=)

Genes: TTN (titin; minus strand), TTN-AS1 (TTN antisense RNA 1; plus strand). Cytogenetic location: 2q31.2.
Variant type: single nucleotide variant.
Coding change: c.64968A>G on transcript NM_001267550.2 (MANE Select); coding-DNA position 64968, A replaced by G.
Protein change: p.Pro21656=; no amino-acid change (proline 21656 retained).
Molecular consequence: synonymous variant. On other transcripts: non-coding transcript variant (1).
Genome position (GRCh38, 1-based): chr2:178,584,673, T>C on the plus strand (A>G on the coding strand, the complement: TTN is on the minus strand). VCF-style: chr2-178584673-T-C. GRCh37 (hg19) VCF-style: chr2-179449400-T-C.
Other names: c.60045A>G, p.Pro20015= (NM_001256850.1); c.37773A>G, p.Pro12591= (NM_003319.4); c.57264A>G, p.Pro19088= (NM_133378.4); c.38148A>G, p.Pro12716= (NM_133432.3); c.38349A>G, p.Pro12783= (NM_133437.4).
Identifiers: ClinVar variation 413171 (VCV000413171.18), dbSNP rs376921740, ClinGen allele CA1991812.
Genomic context (GRCh38, chr2:178,584,673, plus strand): 5'-CATTAAGTAACAAACTAGAAAGAAAACAACTTTTTTTCTCCTTCACAAAAACATACCAAA[T>C]GGGAACTGCGCAACCATCTTTGGAGATGTGAGAGGCTCTGAAATGCCAAATCGGTTTTCA-3'
Protein context (NP_001254479.2, residues 21646-21666): LTSPKMVAQF[Pro21656=]FGVPSEPKNA